The following is an entry in ClinVar:

ClinVar aggregate classification (germline): Conflicting classifications of pathogenicity. Review status: criteria provided, conflicting classifications (1 of 4 stars). 5 submissions from 5 submitters: Likely pathogenic (2); Uncertain significance (1). 2 of the submissions do not count toward it. Last evaluated 2025-07-25.

Conditions:
Nephrotic syndrome. Identifiers: MedGen C0027726, MONDO:0005377, HP:0000100.
Schimke immuno-osseous dysplasia (SIOD). Also called: Schimke Immunoosseous Dysplasia. Identifiers: Orphanet 1830, MedGen C0877024, MONDO:0009458, OMIM 242900.

Allele frequency attached by ClinVar (database versions not stated): TOPMed below 0.00001; ExAC 0.00001; gnomAD 0.00001; gnomAD exomes 0.00001.
gnomAD v4.1: 24 of 1,607,756 alleles (0.0015%); highest among the groups gnomAD compares: Non-Finnish European, 0.0018%; no homozygotes.

Submissions (5):

Natera, Inc.
Classification: Likely pathogenic for Schimke immuno-osseous dysplasia. Last evaluated: 2025-07-25. Review status: criteria provided, single submitter. Criteria: Natera Variant Classification Schema (03/2026). Collection method: clinical testing. Allele origin: germline.
Comment: The c.1756C>T variant in SMARCAL1 is a missense variant predicted to cause substitution of arginine to tryptophan at amino acid 586. This variant is rare in the general population with a frequency below the threshold expected for the associated phenotype(s). This variant has been observed in one or more individuals affected with the associated recessive disease, as either homozygous or compound heterozygous with a second variant (PMID: 11799392, 25349199). Functional studies show that this variant may disrupt protein function (PMID: 18805831). Computational prediction algorithms indicate this variant is likely to affect gene or protein function. Given the available evidence, this variant is classified as Likely Pathogenic.

Fulgent Genetics
Classification: Likely pathogenic for Schimke immuno-osseous dysplasia. Last evaluated: 2024-02-12. Review status: criteria provided, single submitter. Criteria: ACMG Guidelines, 2015. Collection method: clinical testing. Allele origin: germline.

Labcorp Genetics (formerly Invitae), Labcorp
Classification: Uncertain significance for Schimke immuno-osseous dysplasia. Last evaluated: 2023-12-25. Review status: criteria provided, single submitter. Criteria: Invitae Variant Classification Sherloc (09022015). Collection method: clinical testing. Allele origin: germline.
Comment: This sequence change replaces arginine, which is basic and polar, with tryptophan, which is neutral and slightly polar, at codon 586 of the SMARCAL1 protein (p.Arg586Trp). This variant is present in population databases (rs119473038, gnomAD 0.01%). This missense change has been observed in individual(s) with clinical features of Schimke immunoosseous dysplasia (PMID: 11799392, 29127259). It has also been observed to segregate with disease in related individuals. ClinVar contains an entry for this variant (Variation ID: 4176). Advanced modeling of protein sequence and biophysical properties (such as structural, functional, and spatial information, amino acid conservation, physicochemical variation, residue mobility, and thermodynamic stability) performed at Invitae indicates that this missense variant is expected to disrupt SMARCAL1 protein function with a positive predictive value of 80%. Experimental studies have shown that this missense change affects SMARCAL1 function (PMID: 18805831, 18974355). In summary, the available evidence is currently insufficient to determine the role of this variant in disease. Therefore, it has been classified as a Variant of Uncertain Significance.

Yale Center for Mendelian Genomics, Yale University
Classification: Likely pathogenic for Nephrotic syndrome. Last evaluated: 2017-11-10. Review status: no assertion criteria provided. Collection method: literature only. Allele origin: germline. Affected: yes. Observed: 2 homozygotes. Study: Yale Center for Mendelian Genomics. Not counted in ClinVar's aggregate classification.

OMIM
Classification: Pathogenic for SCHIMKE IMMUNOOSSEOUS DYSPLASIA. Last evaluated: 2009-01-01. Review status: no assertion criteria provided. Collection method: literature only. Allele origin: germline. Not counted in ClinVar's aggregate classification.

Literature cited by the submitters: PubMed 11799392 (cited by 3 submitters); PubMed 25349199 (cited by Natera, Inc.); PubMed 18805831 (cited by 3 submitters); PubMed 29127259 (cited by Labcorp Genetics (formerly Invitae), Labcorp and Yale Center for Mendelian Genomics, Yale University); PubMed 18974355 (cited by Labcorp Genetics (formerly Invitae), Labcorp and OMIM).

NM_014140.4(SMARCAL1):c.1756C>T (p.Arg586Trp)

Gene: SMARCAL1 (SNF2 related chromatin remodeling annealing helicase 1; plus strand). Cytogenetic location: 2q35.
Variant type: single nucleotide variant.
Coding change: c.1756C>T on transcript NM_014140.4 (MANE Select); coding-DNA position 1756, C replaced by T.
Protein change: p.Arg586Trp; replaces arginine 586 with tryptophan.
Molecular consequence: missense variant.
Genome position (GRCh38, 1-based): chr2:216,447,063, C>T. VCF-style: chr2-216447063-C-T. GRCh37 (hg19) VCF-style: chr2-217311786-C-T.
Other names: c.1756C>T, p.Arg586Trp (NM_001127207.2); c.1756C>T (NM_014140.3); short protein forms R586W.
Identifiers: ClinVar variation 4176 (VCV000004176.8), dbSNP rs119473038, ClinGen allele CA253032.